The following is an entry in ClinVar:

ClinVar aggregate classification (germline): Uncertain significance (1 of 4 stars; one submission).

gnomAD v4.1: 1 of 1,609,172 alleles (0.000062%); highest among the groups gnomAD compares: Non-Finnish European, 0.000085%; no homozygotes.

Submission:

GeneDx
Classification: Uncertain significance. Last evaluated: 2019-12-19. Review status: criteria provided, single submitter. Criteria: GeneDx Variant Classification Process June 2021. Collection method: clinical testing. Allele origin: germline. Affected: yes.
Comment: Not observed at a significant frequency in large population cohorts (Lek et al., 2016); In silico analysis, which includes protein predictors and evolutionary conservation, supports a deleterious effect

NM_000170.3(GLDC):c.635G>T (p.Arg212Ile)

Gene: GLDC (glycine decarboxylase; minus strand). Cytogenetic location: 9p24.1.
Variant type: single nucleotide variant.
Coding change: c.635G>T on transcript NM_000170.3 (MANE Select); coding-DNA position 635, G replaced by T.
Protein change: p.Arg212Ile; replaces arginine 212 with isoleucine.
Molecular consequence: missense variant.
Genome position (GRCh38, 1-based): chr9:6,610,192, C>A on the plus strand (G>T on the coding strand, the complement: GLDC is on the minus strand). VCF-style: chr9-6610192-C-A. GRCh37 (hg19) VCF-style: chr9-6610192-C-A.
Other names: short protein forms R212I.
Identifiers: ClinVar variation 1311403 (VCV001311403.2), dbSNP rs386833584, ClinGen allele CA4981074.